The following is an entry in ClinVar:

NM_007294.4(BRCA1):c.5122G>T (p.Ala1708Ser)

Gene: BRCA1 (BRCA1 DNA repair associated; minus strand). Cytogenetic location: 17q21.31.
Variant type: single nucleotide variant.
Coding change: c.5122G>T on transcript NM_007294.4 (MANE Select); coding-DNA position 5122, G replaced by T.
Protein change: p.Ala1708Ser; replaces alanine 1708 with serine.
Molecular consequence: missense variant. On other transcripts: non-coding transcript variant (1).
Genome position (GRCh38, 1-based): chr17:43,063,904, C>A on the plus strand (G>T on the coding strand, the complement: BRCA1 is on the minus strand). VCF-style: chr17-43063904-C-A. GRCh37 (hg19) VCF-style: chr17-41215921-C-A.
Other names: c.5038G>T, p.Ala1680Ser (NM_001407662.1, NM_001407663.1, NM_001407659.1 and 2 more transcripts); c.4999G>T, p.Ala1667Ser (NM_001407664.1, NM_001407665.1, NM_001407666.1 and 6 more transcripts); c.4996G>T, p.Ala1666Ser (NM_001407678.1, NM_001407679.1, NM_001407680.1 and 10 more transcripts); c.4993G>T, p.Ala1665Ser (NM_001407681.1, NM_001407682.1, NM_001407683.1 and 6 more transcripts); c.5122G>T, p.Ala1708Ser (NM_001407684.1, NM_001407854.1, NM_001407593.1 and 7 more transcripts); c.4981G>T, p.Ala1661Ser (NM_001407698.1, NM_001407724.1, NM_001407725.1 and 13 more transcripts); c.4978G>T, p.Ala1660Ser (NM_001407742.1, NM_001407743.1, NM_001407744.1 and 21 more transcripts); c.4975G>T, p.Ala1659Ser (NM_001407847.1, NM_001407848.1, NM_001407849.1 and 12 more transcripts); and 71 more; short protein forms A1729S, A1708S, A1661S, A604S, A1411S, A1596S, A1637S, A1664S.
Identifiers: ClinVar variation 864982 (VCV000864982.3), dbSNP rs397507243, ClinGen allele CA10591291.

Conditions:
Breast-ovarian cancer, familial, susceptibility to, 1 (BROVCA1). Also called: BRCA1 Hereditary Breast and Ovarian Cancer; OVARIAN CANCER, SUSCEPTIBILITY TO. Identifiers: Orphanet 145, MedGen C2676676, MONDO:0011450, OMIM 604370. Disease mechanism: loss of function.

Submission:

Brotman Baty Institute, University of Washington
No classification provided (evidence only). Condition: Breast-ovarian cancer, familial 1. Review status: no classification provided. Collection method: in vitro. Allele origin: not applicable. Functional consequence: functionally_normal.
ClinVar note: "not provided" was previously submitted as the classification for the variant. However, the classification appeared to be based only on an observation of functional data so it was converted to no classification on 2025-07-30.